The following is an entry in ClinVar:

NM_152383.5(DIS3L2):c.2335_2394+30del

Gene: DIS3L2 (DIS3 like 3'-5' exoribonuclease 2; plus strand). Cytogenetic location: 2q37.1.
Variant type: Deletion.
Coding change: c.2335_2394+30del on transcript NM_152383.5 (MANE Select); coding-DNA position 2335 through 30 bases into the intron after coding-DNA position 2394, 90 bases deleted.
Molecular consequence: splice donor variant. On other transcripts: intron variant (1).
Genome position (GRCh38, 1-based): chr2:232,334,676-232,334,765, 90 bases deleted. GRCh37 (hg19): chr2:233,199,386-233,199,475.
Other names: c.1582-8669_1582-8580del (NM_001257281.2).
Identifiers: ClinVar variation 1499634 (VCV001499634.6), dbSNP rs2106354681, ClinGen allele CA2573135574.

ClinVar aggregate classification (germline): Likely pathogenic (1 of 4 stars; one submission).

Conditions:
Perlman syndrome (PRLMNS). Identifiers: Orphanet 2849, MedGen C0796113, MONDO:0009965, OMIM 267000.

Submission:

Labcorp Genetics (formerly Invitae), Labcorp
Classification: Likely pathogenic for Perlman syndrome. Last evaluated: 2022-07-19. Review status: criteria provided, single submitter. Criteria: Invitae Variant Classification Sherloc (09022015). Collection method: clinical testing. Allele origin: germline.
Comment: This variant results in the deletion of part of exon 19 (c.2335_2394+30del) of the DIS3L2 gene. It is expected to disrupt RNA splicing. Variants that disrupt the donor or acceptor splice site typically lead to a loss of protein function (PMID: 16199547), and loss-of-function variants in DIS3L2 are known to be pathogenic (PMID: 22306653, 28328139). This variant is not present in population databases (gnomAD no frequency). This variant has not been reported in the literature in individuals affected with DIS3L2-related conditions. ClinVar contains an entry for this variant (Variation ID: 1499634). Algorithms developed to predict the effect of sequence changes on RNA splicing suggest that this variant may disrupt the consensus splice site. In summary, the currently available evidence indicates that the variant is pathogenic, but additional data are needed to prove that conclusively. Therefore, this variant has been classified as Likely Pathogenic.

Literature cited by the submitters: PubMed 16199547; PubMed 22306653; PubMed 28328139.